The following is an entry in ClinVar:

ClinVar aggregate classification (germline): Likely benign. Review status: criteria provided, multiple submitters, no conflicts (2 of 4 stars). 7 submissions from 7 submitters: Likely benign (7). Last evaluated 2026-05-08.

Conditions:
CDH2-related disorder. Also called: CDH2-related condition.
Inborn genetic diseases. Identifiers: MedGen C0950123, MeSH D030342.

Allele frequency attached by ClinVar (database versions not stated): 1000 Genomes Project 30x 0.00016; 1000 Genomes Project 0.00020; ESP Exome Variant Server 0.00054.
gnomAD v4.1: 278 of 1,614,028 alleles (0.017%); highest among the groups gnomAD compares: Non-Finnish European, 0.022%; no homozygotes.

Submissions (7):

PreventionGenetics, part of Exact Sciences
Classification: Likely benign for CDH2-related condition. Last evaluated: 2026-05-08. Review status: criteria provided, single submitter. Criteria: ACMG Guidelines, 2015. Collection method: clinical testing. Allele origin: germline.
Comment: This variant is classified as likely benign based on ACMG/AMP sequence variant interpretation guidelines (Richards et al. 2015 PMID: 25741868, with internal and published modifications).

Labcorp Genetics (formerly Invitae), Labcorp
Classification: Likely benign. Last evaluated: 2025-12-29. Review status: criteria provided, single submitter. Criteria: Invitae Variant Classification Sherloc (09022015). Collection method: clinical testing. Allele origin: germline.

Mayo Clinic Laboratories, Mayo Clinic
Classification: Likely benign. Last evaluated: 2025-09-23. Review status: criteria provided, single submitter. Criteria: ACMG Guidelines, 2015. Collection method: clinical testing. Allele origin: germline. Observed: 2 variant alleles.
Comment: BP4, BP7

Molecular Diagnostic Laboratory for Inherited Cardiovascular Disease, Montreal Heart Institute
Classification: Likely benign. Last evaluated: 2025-04-09. Review status: criteria provided, single submitter. Criteria: ACMG Guidelines, 2015. Collection method: clinical testing. Allele origin: germline. Affected: no.

Blueprint Genetics
Classification: Likely benign. Last evaluated: 2024-11-15. Review status: criteria provided, single submitter. Criteria: ACMG Guidelines, 2015. Collection method: clinical testing. Allele origin: germline.

CeGaT Center for Human Genetics Tuebingen
Classification: Likely benign. Last evaluated: 2024-08-01. Review status: criteria provided, single submitter. Criteria: CeGaT Center For Human Genetics Tuebingen Variant Classification Criteria Version 2. Collection method: clinical testing. Allele origin: germline. Affected: yes. Observed: 1 variant allele.
Comment: CDH2: BP4

Ambry Genetics
Classification: Likely benign for Inborn genetic diseases. Last evaluated: 2022-03-04. Review status: criteria provided, single submitter. Criteria: Ambry Variant Classification Scheme 2023. Collection method: clinical testing. Allele origin: germline.

NM_001792.5(CDH2):c.231A>T (p.Ala77=)

Gene: CDH2 (cadherin 2; minus strand). Cytogenetic location: 18q12.1.
Variant type: single nucleotide variant.
Coding change: c.231A>T on transcript NM_001792.5 (MANE Select); coding-DNA position 231, A replaced by T.
Protein change: p.Ala77=; no amino-acid change (alanine 77 retained).
Molecular consequence: synonymous variant.
Genome position (GRCh38, 1-based): chr18:28,013,851, T>A on the plus strand (A>T on the coding strand, the complement: CDH2 is on the minus strand). VCF-style: chr18-28013851-T-A. GRCh37 (hg19) VCF-style: chr18-25593815-T-A.
Other names: p.Ala77=; c.138A>T, p.Ala46= (NM_001308176.2); c.231A>T (NM_001792.4).
Identifiers: ClinVar variation 1567207 (VCV001567207.30), dbSNP rs148115828, ClinGen allele CA8923746.